The following is an entry in ClinVar:

NM_012330.4(KAT6B):c.3841A>C (p.Met1281Leu)

Gene: KAT6B (lysine acetyltransferase 6B; plus strand). Cytogenetic location: 10q22.2.
Variant type: single nucleotide variant.
Coding change: c.3841A>C on transcript NM_012330.4 (MANE Select); coding-DNA position 3841, A replaced by C.
Protein change: p.Met1281Leu; replaces methionine 1281 with leucine.
Molecular consequence: missense variant.
Genome position (GRCh38, 1-based): chr10:75,028,665, A>C. VCF-style: chr10-75028665-A-C. GRCh37 (hg19) VCF-style: chr10-76788423-A-C.
Other names: c.3292A>C, p.Met1098Leu (NM_001256468.2, NM_001370138.1); c.2965A>C, p.Met989Leu (NM_001256469.2, NM_001370139.1, NM_001370140.1 and 2 more transcripts); c.2803A>C, p.Met935Leu (NM_001370132.1); c.2152A>C, p.Met718Leu (NM_001370133.1); c.1756A>C, p.Met586Leu (NM_001370134.1); c.1498A>C, p.Met500Leu (NM_001370135.1); c.3841A>C, p.Met1281Leu (NM_001370136.1, NM_001370137.1); c.2776A>C, p.Met926Leu (NM_001370143.1, NM_001370144.1); short protein forms M1098L, M1281L, M500L, M586L, M718L, M926L, M935L, M989L.
Identifiers: ClinVar variation 4808668 (VCV004808668.1).

ClinVar aggregate classification (germline): Uncertain significance (1 of 4 stars; one submission).

Conditions:
Genitopatellar syndrome (GTPTS). Also called: ABSENT PATELLAE, SCROTAL HYPOPLASIA, RENAL ANOMALIES, FACIAL DYSMORPHISM, AND MENTAL RETARDATION; Genitopatellar syndrome (GPS). Identifiers: Orphanet 85201, MedGen C1853566, MONDO:0011640, OMIM 606170.

Submission:

Labcorp Genetics (formerly Invitae), Labcorp
Classification: Uncertain significance for Genitopatellar syndrome. Last evaluated: 2025-03-10. Review status: criteria provided, single submitter. Criteria: Invitae Variant Classification Sherloc (09022015). Collection method: clinical testing. Allele origin: germline.
Comment: This sequence change replaces methionine, which is neutral and non-polar, with leucine, which is neutral and non-polar, at codon 1281 of the KAT6B protein (p.Met1281Leu). This variant is not present in population databases (gnomAD no frequency). This variant has not been reported in the literature in individuals affected with KAT6B-related conditions. Invitae Evidence Modeling of protein sequence and biophysical properties (such as structural, functional, and spatial information, amino acid conservation, physicochemical variation, residue mobility, and thermodynamic stability) indicates that this missense variant is not expected to disrupt KAT6B protein function with a negative predictive value of 80%. In summary, the available evidence is currently insufficient to determine the role of this variant in disease. Therefore, it has been classified as a Variant of Uncertain Significance.